The following is an entry in ClinVar:

NM_005076.5(CNTN2):c.910T>C (p.Tyr304His)

Gene: CNTN2 (contactin 2; plus strand). Cytogenetic location: 1q32.1.
Variant type: single nucleotide variant.
Coding change: c.910T>C on transcript NM_005076.5 (MANE Select); coding-DNA position 910, T replaced by C.
Protein change: p.Tyr304His; replaces tyrosine 304 with histidine.
Molecular consequence: missense variant. On other transcripts: non-coding transcript variant (1).
Genome position (GRCh38, 1-based): chr1:205,061,357, T>C. VCF-style: chr1-205061357-T-C. GRCh37 (hg19) VCF-style: chr1-205030485-T-C.
Other names: c.910T>C, p.Tyr304His (NM_001346083.2); short protein forms Y304H.
Identifiers: ClinVar variation 2103694 (VCV002103694.4), dbSNP rs2526364537, ClinGen allele CA344409544.

ClinVar aggregate classification (germline): Uncertain significance (1 of 4 stars; one submission).

Conditions:
Epilepsy, familial adult myoclonic, 5 (EPEO5). Also called: CORTICAL MYOCLONIC TREMOR WITH EPILEPSY, FAMILIAL, 5. Identifiers: Orphanet 86814, MedGen C3809374, MONDO:0014167, OMIM 615400.

Allele frequency attached by ClinVar (database versions not stated): gnomAD exomes below 0.00001.
gnomAD v4.1: 1 of 1,613,788 alleles (0.000062%); highest among the groups gnomAD compares: Non-Finnish European, 0.000085%; no homozygotes.

Submission:

Labcorp Genetics (formerly Invitae), Labcorp
Classification: Uncertain significance for Epilepsy, familial adult myoclonic, 5. Last evaluated: 2022-02-25. Review status: criteria provided, single submitter. Criteria: Invitae Variant Classification Sherloc (09022015). Collection method: clinical testing. Allele origin: germline.
Comment: This variant has not been reported in the literature in individuals affected with CNTN2-related conditions. Advanced modeling of protein sequence and biophysical properties (such as structural, functional, and spatial information, amino acid conservation, physicochemical variation, residue mobility, and thermodynamic stability) performed at Invitae indicates that this missense variant is expected to disrupt CNTN2 protein function. In summary, the available evidence is currently insufficient to determine the role of this variant in disease. Therefore, it has been classified as a Variant of Uncertain Significance. This variant is not present in population databases (gnomAD no frequency). This sequence change replaces tyrosine, which is neutral and polar, with histidine, which is basic and polar, at codon 304 of the CNTN2 protein (p.Tyr304His).